The following is an entry in ClinVar:

NM_000138.5(FBN1):c.7384A>G (p.Thr2462Ala)

Gene: FBN1 (fibrillin 1; minus strand). Cytogenetic location: 15q21.1.
Variant type: single nucleotide variant.
Coding change: c.7384A>G on transcript NM_000138.5 (MANE Select); coding-DNA position 7384, A replaced by G.
Protein change: p.Thr2462Ala; replaces threonine 2462 with alanine.
Molecular consequence: missense variant.
Genome position (GRCh38, 1-based): chr15:48,425,438, T>C on the plus strand (A>G on the coding strand, the complement: FBN1 is on the minus strand). VCF-style: chr15-48425438-T-C. GRCh37 (hg19) VCF-style: chr15-48717635-T-C.
Other names: short protein forms T2462A.
Identifiers: ClinVar variation 2933381 (VCV002933381.5), dbSNP rs371278936, ClinGen allele CA017181.

ClinVar aggregate classification (germline): Uncertain significance. Review status: criteria provided, multiple submitters, no conflicts (2 of 4 stars). 3 submissions from 3 submitters: Uncertain significance (3). Last evaluated 2025-09-05.

Conditions:
Marfan syndrome (MFS). Also called: MARFAN SYNDROME, TYPE I; Marfan syndrome type 1; Marfan's syndrome; Marfan syndrome, classic; FBN1-Related Marfan Syndrome. Identifiers: Orphanet 284963, Orphanet 558, MedGen C0024796, MONDO:0007947, OMIM 154700.
Familial thoracic aortic aneurysm and aortic dissection (TAAD). Also called: Thoracic aortic aneurysms and dissections. Identifiers: Orphanet 91387, MedGen C4707243, MONDO:0019625.

Allele frequency attached by ClinVar (database versions not stated): ESP Exome Variant Server 0.00008; gnomAD exomes below 0.00001.
gnomAD v4.1: 1 of 1,614,158 alleles (0.000062%); highest among the groups gnomAD compares: Non-Finnish European, 0.000085%; no homozygotes.

Submissions (3):

Color Diagnostics, LLC DBA Color Health
Classification: Uncertain significance for Familial thoracic aortic aneurysm and aortic dissection. Last evaluated: 2025-09-05. Review status: criteria provided, single submitter. Criteria: ACMG Guidelines, 2015. Collection method: clinical testing. Allele origin: germline.
Comment: This missense variant replaces threonine with alanine at codon 2462 of the FBN1 protein. Computational prediction suggests that this variant may have deleterious impact on protein structure and function. To our knowledge, functional studies have not been reported for this variant. This variant has not been reported in individuals affected with FBN1-related disorders in the literature. This variant has been identified in 2/282714 chromosomes in the general population by the Genome Aggregation Database (gnomAD). The available evidence is insufficient to determine the role of this variant in disease conclusively. Therefore, this variant is classified as a Variant of Uncertain Significance.

All of Us Research Program, National Institutes of Health
Classification: Uncertain significance for Marfan syndrome. Last evaluated: 2023-08-15. Review status: criteria provided, single submitter. Criteria: ACMG Guidelines, 2015. Collection method: clinical testing. Allele origin: germline. Inheritance: Autosomal dominant inheritance. Observed: 2 variant alleles, 2 heterozygotes.
Comment: This missense variant replaces threonine with alanine at codon 2462 of the FBN1 protein. Computational prediction suggests that this variant may have deleterious impact on protein structure and function (internally defined REVEL score threshold >= 0.7, PMID: 27666373). To our knowledge, functional studies have not been reported for this variant. This variant has not been reported in individuals affected with FBN1-related disorders in the literature. This variant has been identified in 2/282714 chromosomes in the general population by the Genome Aggregation Database (gnomAD). The available evidence is insufficient to determine the role of this variant in disease conclusively. Therefore, this variant is classified as a Variant of Uncertain Significance.

This study involves interpretation of variants in research participants for the purpose of population health screening. Participant phenotype was not available at the time of variant classification. Additional details can be found in publication PMID: 35346344, PMCID: PMC8962531

Labcorp Genetics (formerly Invitae), Labcorp
Classification: Uncertain significance for Marfan syndrome; Familial thoracic aortic aneurysm and aortic dissection. Last evaluated: 2023-07-19. Review status: criteria provided, single submitter. Criteria: Invitae Variant Classification Sherloc (09022015). Collection method: clinical testing. Allele origin: germline.
Comment: In summary, the available evidence is currently insufficient to determine the role of this variant in disease. Therefore, it has been classified as a Variant of Uncertain Significance. Advanced modeling of protein sequence and biophysical properties (such as structural, functional, and spatial information, amino acid conservation, physicochemical variation, residue mobility, and thermodynamic stability) performed at Invitae indicates that this missense variant is expected to disrupt FBN1 protein function. This variant has not been reported in the literature in individuals affected with FBN1-related conditions. This variant is present in population databases (rs371278936, gnomAD 0.002%). This sequence change replaces threonine, which is neutral and polar, with alanine, which is neutral and non-polar, at codon 2462 of the FBN1 protein (p.Thr2462Ala).